The following is an entry in ClinVar:

NM_001378477.3(NYX):c.746G>A (p.Arg249Gln)

Gene: NYX (nyctalopin; plus strand). Cytogenetic location: Xp11.4.
Variant type: single nucleotide variant.
Coding change: c.746G>A on transcript NM_001378477.3 (MANE Select); coding-DNA position 746, G replaced by A.
Protein change: p.Arg249Gln; replaces arginine 249 with glutamine.
Molecular consequence: missense variant.
Genome position (GRCh38, 1-based): chrX:41,474,214, G>A. VCF-style: chrX-41474214-G-A. GRCh37 (hg19) VCF-style: chrX-41333467-G-A.
Other names: c.746G>A, p.Arg249Gln (NM_022567.3); short protein forms R254Q, R249Q.
Identifiers: ClinVar variation 968583 (VCV000968583.9), dbSNP rs369485262, ClinGen allele CA10389853.

ClinVar aggregate classification (germline): Conflicting classifications of pathogenicity. Review status: criteria provided, conflicting classifications (1 of 4 stars). 3 submissions from 3 submitters: Uncertain significance (1); Likely benign (2). Last evaluated 2025-10-22.

Conditions:
NYX-related disorder. Also called: NYX-related condition.

Allele frequency attached by ClinVar (database versions not stated): TOPMed 0.00002; ExAC 0.00004; gnomAD 0.00004; gnomAD exomes 0.00004 and 0.00005; ESP Exome Variant Server 0.00010.

Submissions (3):

PreventionGenetics, part of Exact Sciences
Classification: Likely benign for NYX-related condition. Last evaluated: 2025-10-22. Review status: criteria provided, single submitter. Criteria: ACMG Guidelines, 2015. Collection method: clinical testing. Allele origin: germline.
Comment: This variant is classified as likely benign based on ACMG/AMP sequence variant interpretation guidelines (Richards et al. 2015 PMID: 25741868, with internal and published modifications).

Blueprint Genetics
Classification: Likely benign. Last evaluated: 2024-06-21. Review status: criteria provided, single submitter. Criteria: ACMG Guidelines, 2015. Collection method: clinical testing. Allele origin: germline.

Labcorp Genetics (formerly Invitae), Labcorp
Classification: Uncertain significance. Last evaluated: 2023-07-12. Review status: criteria provided, single submitter. Criteria: Invitae Variant Classification Sherloc (09022015). Collection method: clinical testing. Allele origin: germline.
Comment: This variant has not been reported in the literature in individuals affected with NYX-related conditions. ClinVar contains an entry for this variant (Variation ID: 968583). Advanced modeling of protein sequence and biophysical properties (such as structural, functional, and spatial information, amino acid conservation, physicochemical variation, residue mobility, and thermodynamic stability) performed at Invitae indicates that this missense variant is not expected to disrupt NYX protein function. In summary, the available evidence is currently insufficient to determine the role of this variant in disease. Therefore, it has been classified as a Variant of Uncertain Significance. The frequency data for this variant in the population databases is considered unreliable, as metrics indicate poor data quality at this position in the gnomAD database. This sequence change replaces arginine, which is basic and polar, with glutamine, which is neutral and polar, at codon 254 of the NYX protein (p.Arg254Gln).